The following is an entry in ClinVar:

ClinVar aggregate classification (germline): Uncertain significance (1 of 4 stars; one submission).

Conditions:
Hypertrophic cardiomyopathy. Also called: HYPERTROPHIC MYOCARDIOPATHY. Identifiers: Orphanet 217569, MedGen C0007194, MeSH D002312, MONDO:0005045, HP:0001639.

Submission:

Labcorp Genetics (formerly Invitae), Labcorp
Classification: Uncertain significance for Hypertrophic cardiomyopathy. Last evaluated: 2021-06-02. Review status: criteria provided, single submitter. Criteria: Invitae Variant Classification Sherloc (09022015). Collection method: clinical testing. Allele origin: germline.
Comment: This sequence change replaces lysine with threonine at codon 268 of the TPM1 protein (p.Lys268Thr). The lysine residue is weakly conserved and there is a moderate physicochemical difference between lysine and threonine. This variant is not present in population databases (ExAC no frequency). This variant has not been reported in the literature in individuals with TPM1-related conditions. Algorithms developed to predict the effect of missense changes on protein structure and function (SIFT, PolyPhen-2, Align-GVGD) all suggest that this variant is likely to be tolerated, but these predictions have not been confirmed by published functional studies and their clinical significance is uncertain. In summary, the available evidence is currently insufficient to determine the role of this variant in disease. Therefore, it has been classified as a Variant of Uncertain Significance.

NM_001018005.2(TPM1):c.803A>C (p.Lys268Thr)

Gene: TPM1 (tropomyosin 1; plus strand). Cytogenetic location: 15q22.2.
Variant type: single nucleotide variant.
Coding change: c.803A>C on transcript NM_001018005.2 (MANE Select); coding-DNA position 803, A replaced by C.
Protein change: p.Lys268Thr; replaces lysine 268 with threonine.
Molecular consequence: missense variant. On other transcripts: intron variant (12).
Genome position (GRCh38, 1-based): chr15:63,064,094, A>C. VCF-style: chr15-63064094-A-C. GRCh37 (hg19) VCF-style: chr15-63356293-A-C.
Other names: c.803A>C, p.Lys268Thr (NM_000366.6, NM_001301244.2, NM_001365779.1); c.695A>C, p.Lys232Thr (NM_001330346.2, NM_001365781.2, NM_001365782.1); c.898+1449A>C (NM_001365778.1); c.772+1449A>C (NM_001018020.2, NM_001018007.2, NM_001018006.2 and 3 more transcripts); c.664+1449A>C (NM_001330351.2, NM_001330344.2, NM_001018008.2 and 2 more transcripts); short protein forms K268T, K232T.
Identifiers: ClinVar variation 1480834 (VCV001480834.8), dbSNP rs1395706088, ClinGen allele CA392725128.